The following is an entry in ClinVar:

ClinVar aggregate classification (germline): Conflicting classifications of pathogenicity. Review status: criteria provided, conflicting classifications (1 of 4 stars). 6 submissions from 6 submitters: Likely pathogenic (1); Uncertain significance (5). Last evaluated 2025-10-08.

Conditions:
Inborn genetic diseases. Identifiers: MedGen C0950123, MeSH D030342.
Combined immunodeficiency due to LRBA deficiency. Also called: Common variable immunodeficiency 8, with autoimmunity. Identifiers: Orphanet 445018, MedGen C3553512, MONDO:0013863, OMIM 614700.

Allele frequency attached by ClinVar (database versions not stated): TOPMed 0.00002; ExAC 0.00003; gnomAD 0.00003 and 0.00004; gnomAD exomes 0.00003 and 0.00007.
gnomAD v4.1: 116 of 1,613,594 alleles (0.0072%); highest among the groups gnomAD compares: Non-Finnish European, 0.0091%; no homozygotes.

Submissions (6):

Ambry Genetics
Classification: Uncertain significance for Inborn genetic diseases. Last evaluated: 2025-10-08. Review status: criteria provided, single submitter. Criteria: Ambry Variant Classification Scheme 2023. Collection method: clinical testing. Allele origin: germline.

Blueprint Genetics
Classification: Uncertain significance. Last evaluated: 2022-03-14. Review status: criteria provided, single submitter. Criteria: ACMG Guidelines, 2015. Collection method: clinical testing. Allele origin: germline.

Laboratorio de Genetica e Diagnostico Molecular, Hospital Israelita Albert Einstein
Classification: Uncertain significance. Last evaluated: 2021-10-13. Review status: criteria provided, single submitter. Criteria: ACMG Guidelines, 2015. Collection method: clinical testing. Allele origin: germline. Affected: yes.
Comment: ACMG classification criteria: PM2

Labcorp Genetics (formerly Invitae), Labcorp
Classification: Uncertain significance for Combined immunodeficiency due to LRBA deficiency. Last evaluated: 2021-09-02. Review status: criteria provided, single submitter. Criteria: Invitae Variant Classification Sherloc (09022015). Collection method: clinical testing. Allele origin: germline.
Comment: This sequence change replaces glycine with alanine at codon 1969 of the LRBA protein (p.Gly1969Ala). The glycine residue is weakly conserved and there is a small physicochemical difference between glycine and alanine. This variant is present in population databases (rs745608560, ExAC 0.006%). This missense change has been observed in individual(s) with LRBA-related conditions (Invitae). Algorithms developed to predict the effect of missense changes on protein structure and function are either unavailable or do not agree on the potential impact of this missense change (SIFT: "Tolerated"; PolyPhen-2: "Probably Damaging"; Align-GVGD: "Class C0"). In summary, the available evidence is currently insufficient to determine the role of this variant in disease. Therefore, it has been classified as a Variant of Uncertain Significance.

Mendelics
Classification: Likely pathogenic for Combined immunodeficiency due to LRBA deficiency. Last evaluated: 2019-05-28. Review status: criteria provided, single submitter. Criteria: Mendelics Assertion Criteria 2017. Collection method: clinical testing. Allele origin: unknown.

CeGaT Center for Human Genetics Tuebingen
Classification: Uncertain significance. Last evaluated: 2018-10-01. Review status: criteria provided, single submitter. Criteria: CeGaT Center For Human Genetics Tuebingen Variant Classification Criteria Version 2. Collection method: clinical testing. Allele origin: germline. Affected: yes. Observed: 1 variant allele.

NM_001364905.1(LRBA):c.5906G>C (p.Gly1969Ala)

Gene: LRBA (LPS responsive beige-like anchor protein; minus strand). Cytogenetic location: 4q31.3.
Variant type: single nucleotide variant.
Coding change: c.5906G>C on transcript NM_001364905.1 (MANE Select); coding-DNA position 5906, G replaced by C.
Protein change: p.Gly1969Ala; replaces glycine 1969 with alanine.
Molecular consequence: missense variant.
Genome position (GRCh38, 1-based): chr4:150,683,566, C>G on the plus strand (G>C on the coding strand, the complement: LRBA is on the minus strand). VCF-style: chr4-150683566-C-G. GRCh37 (hg19) VCF-style: chr4-151604718-C-G.
Other names: c.5906G>C, p.Gly1969Ala (NM_001199282.3, NM_001367550.1, NM_006726.5); short protein forms G1969A.
Identifiers: ClinVar variation 644705 (VCV000644705.53), dbSNP rs745608560, ClinGen allele CA3102320.